The following is an entry in ClinVar:

NM_002408.4(MGAT2):c.261G>T (p.Leu87=)

Gene: MGAT2 (alpha-1,6-mannosyl-glycoprotein 2-beta-N-acetylglucosaminyltransferase; plus strand). Cytogenetic location: 14q21.3.
Variant type: single nucleotide variant.
Coding change: c.261G>T on transcript NM_002408.4 (MANE Select); coding-DNA position 261, G replaced by T.
Protein change: p.Leu87=; no amino-acid change (leucine 87 retained).
Molecular consequence: synonymous variant.
Genome position (GRCh38, 1-based): chr14:49,621,529, G>T. VCF-style: chr14-49621529-G-T. GRCh37 (hg19) VCF-style: chr14-50088247-G-T.
Identifiers: ClinVar variation 313255 (VCV000313255.16), dbSNP rs2228449, ClinGen allele CA7172509.

ClinVar aggregate classification (germline): Benign/Likely benign. Review status: criteria provided, multiple submitters, no conflicts (2 of 4 stars). 4 submissions from 4 submitters: Benign (3); Likely benign (1). Last evaluated 2026-01-15.

Conditions:
MGAT2-congenital disorder of glycosylation. Also called: MENTAL RETARDATION, GROWTH RETARDATION, PROMINENT COLUMELLA, AND OPEN MOUTH; Alkuraya syndrome; CDG IIa; MGAT2-CDG; Congenital disorder of glycosylation, type IIa. Identifiers: Orphanet 79329, MedGen C2931008, MONDO:0008908, OMIM 212066.

Allele frequency attached by ClinVar (database versions not stated): gnomAD exomes 0.00159 and 0.00410; ExAC 0.00516; 1000 Genomes Project 0.01478; gnomAD 0.01633 and 0.01763; 1000 Genomes Project 30x 0.01655; ESP Exome Variant Server 0.01870; TOPMed 0.01877.

Submissions (4):

Labcorp Genetics (formerly Invitae), Labcorp
Classification: Benign for MGAT2-congenital disorder of glycosylation. Last evaluated: 2026-01-15. Review status: criteria provided, single submitter. Criteria: Invitae Variant Classification Sherloc (09022015). Collection method: clinical testing. Allele origin: germline.

Illumina Laboratory Services, Illumina
Classification: Benign for MGAT2-congenital disorder of glycosylation. Last evaluated: 2018-01-13. Review status: criteria provided, single submitter. Criteria: ICSL Variant Classification Criteria 13 December 2019. Collection method: clinical testing. Allele origin: germline.
Comment: This variant was observed in the ICSL laboratory as part of a predisposition screen in an ostensibly healthy population. It had not been previously curated by ICSL or reported in the Human Gene Mutation Database (HGMD: prior to June 1st, 2018), and was therefore a candidate for classification through an automated scoring system. Utilizing variant allele frequency, disease prevalence and penetrance estimates, and inheritance mode, an automated score was calculated to assess if this variant is too frequent to cause the disease. Based on the score and internal cut-off values, a variant classified as benign is not then subjected to further curation. The score for this variant resulted in a classification of benign for this disease.

GeneDx
Classification: Benign. Last evaluated: 2016-03-24. Review status: criteria provided, single submitter. Criteria: GeneDx Variant Classification (06012015). Collection method: clinical testing. Allele origin: germline. Affected: yes.
Comment: This variant is considered likely benign or benign based on one or more of the following criteria: it is a conservative change, it occurs at a poorly conserved position in the protein, it is predicted to be benign by multiple in silico algorithms, and/or has population frequency not consistent with disease.

Breakthrough Genomics
Classification: Likely benign. Review status: criteria provided, single submitter. Criteria: ACMG Guidelines, 2015. Collection method: not provided. Allele origin: germline. Inheritance: Autosomal recessive inheritance. Affected: yes.